The following is an entry in ClinVar:

NM_014231.5(VAMP1):c.341-24G>A

Genes: VAMP1 (vesicle associated membrane protein 1; minus strand), TAPBPL (TAP binding protein like; plus strand). Cytogenetic location: 12p13.31.
Variant type: single nucleotide variant.
Coding change: c.341-24G>A on transcript NM_014231.5 (MANE Select); 24 bases into the intron before coding-DNA position 341, G replaced by A.
Molecular consequence: intron variant. On other transcripts: 3 prime UTR variant (1).
Genome position (GRCh38, 1-based): chr12:6,464,510, C>T on the plus strand (G>A on the coding strand, the complement: VAMP1 is on the minus strand). VCF-style: chr12-6464510-C-T. GRCh37 (hg19) VCF-style: chr12-6573676-C-T.
Other names: c.*366G>A (NM_199245.3); c.340+380G>A (NM_016830.4, NM_001297438.2).
Identifiers: ClinVar variation 3256752 (VCV003256752.1).

ClinVar aggregate classification (germline): Likely pathogenic (0 of 4 stars; one submission).

Conditions:
Myasthenic syndrome, congenital, 25, presynaptic. Also called: Myasthenic syndrome, congenital, 25. Identifiers: MedGen C5193027, MONDO:0032675, OMIM 618323.

Submission:

Solve-RD Consortium
Classification: Likely pathogenic for Myasthenic syndrome, congenital, 25, presynaptic. Last evaluated: 2022-06-01. Review status: no assertion criteria provided. Collection method: provider interpretation. Allele origin: inherited. Affected: yes.
Comment: Variant confirmed as disease-causing by referring clinical team

Variant identified during reanalysis of unsolved cases by the Solve-RD project. The Solve-RD project has received funding from the European Union’s Horizon 2020 research and innovation programme under grant agreement No 779257.

Literature cited by the submitters: PubMed 39825153.